The following is an entry in ClinVar:

ClinVar aggregate classification (germline): Uncertain significance (1 of 4 stars; one submission).

Conditions:
Tuberous sclerosis 2 (TSC2). Identifiers: Orphanet 805, MedGen C1860707, MONDO:0013199, OMIM 613254.

Submission:

Labcorp Genetics (formerly Invitae), Labcorp
Classification: Uncertain significance for Tuberous sclerosis 2. Last evaluated: 2020-05-14. Review status: criteria provided, single submitter. Criteria: Invitae Variant Classification Sherloc (09022015). Collection method: clinical testing. Allele origin: germline.
Comment: This variant disrupts the p.Thr1068 amino acid residue in TSC2. Other variant(s) that disrupt this residue have been observed in individuals with TSC2-related conditions (PMID: 21309039, Invitae), which suggests that this may be a clinically significant amino acid residue. In summary, the available evidence is currently insufficient to determine the role of this variant in disease. Therefore, it has been classified as a Variant of Uncertain Significance. This sequence change replaces threonine with asparagine at codon 1068 of the TSC2 protein (p.Thr1068Asn). The threonine residue is highly conserved and there is a small physicochemical difference between threonine and asparagine. This variant is not present in population databases (ExAC no frequency). This variant has not been reported in the literature in individuals with TSC2-related conditions. Algorithms developed to predict the effect of missense changes on protein structure and function are either unavailable or do not agree on the potential impact of this missense change (SIFT: "Deleterious"; PolyPhen-2: "Probably Damaging"; Align-GVGD: "Class C0").

Literature cited by the submitters: PubMed 21309039.

NM_000548.5(TSC2):c.3203C>A (p.Thr1068Asn)

Gene: TSC2 (TSC complex subunit 2; plus strand). Cytogenetic location: 16p13.3.
Variant type: single nucleotide variant.
Coding change: c.3203C>A on transcript NM_000548.5 (MANE Select); coding-DNA position 3203, C replaced by A.
Protein change: p.Thr1068Asn; replaces threonine 1068 with asparagine.
Molecular consequence: missense variant.
Genome position (GRCh38, 1-based): chr16:2,079,347, C>A. VCF-style: chr16-2079347-C-A. GRCh37 (hg19) VCF-style: chr16-2129348-C-A.
Other names: c.3071C>A, p.Thr1024Asn (NM_001077183.3, NM_001370404.1); c.3203C>A, p.Thr1068Asn (NM_001114382.3); c.2963C>A, p.Thr988Asn (NM_001318827.2); c.2927C>A, p.Thr976Asn (NM_001318829.2); c.2471C>A, p.Thr824Asn (NM_001318831.2); c.3104C>A, p.Thr1035Asn (NM_001318832.2); c.3074C>A, p.Thr1025Asn (NM_001363528.2, NM_001370405.1, NM_021055.3); short protein forms T1024N, T1025N, T1035N, T1068N, T824N, T976N, T988N.
Identifiers: ClinVar variation 1010404 (VCV001010404.8), dbSNP rs397515284, ClinGen allele CA394285777.